The following is an entry in ClinVar:

NM_000169.3(GLA):c.436C>T (p.Pro146Ser)

Genes: GLA (galactosidase alpha; minus strand), RPL36A-HNRNPH2 (RPL36A-HNRNPH2 readthrough; plus strand). Cytogenetic location: Xq22.1.
Variant type: single nucleotide variant.
Coding change: c.436C>T on transcript NM_000169.3 (MANE Select); coding-DNA position 436, C replaced by T.
Protein change: p.Pro146Ser; replaces proline 146 with serine.
Molecular consequence: missense variant. On other transcripts: non-coding transcript variant (3), intron variant (2).
Genome position (GRCh38, 1-based): chrX:101,401,743, G>A on the plus strand (C>T on the coding strand, the complement: GLA is on the minus strand). VCF-style: chrX-101401743-G-A. GRCh37 (hg19) VCF-style: chrX-100656731-G-A.
Other names: c.559C>T, p.Pro187Ser (NM_001406747.1, NM_001406749.1); c.436C>T, p.Pro146Ser (NM_001406748.1); c.300+6286G>A (NM_001199973.2); c.177+9921G>A (NM_001199974.2); short protein forms P146S, P187S.
Identifiers: ClinVar variation 10726 (VCV000010726.10), dbSNP rs104894837, ClinGen allele CA021729.
Genomic context (GRCh38, chrX:101,401,743, plus strand): 5'-GATCTACTCCCCAGTCAGCAAAGGTCTGGGCATCAATGTCGTAGTATCCAAAACTCCCAG[G>A]GAAGCCTGCGCAGGTTTTATTTCCAACATCTGCATAAATCCCTAGCTTCAGTCCTTTGCT-3'
Protein context (NP_000160.1, residues 136-156): DVGNKTCAGF[Pro146Ser]GSFGYYDIDA

ClinVar aggregate classification (germline): Uncertain significance. Review status: criteria provided, multiple submitters, no conflicts (2 of 4 stars). 4 submissions from 4 submitters: Uncertain significance (3). 1 of the submissions does not count toward it. Last evaluated 2026-09-08.

Conditions:
Fabry disease. Also called: Ceramide trihexosidosis; Fabry's disease; CERAMIDE TRIHEXOSIDASE DEFICIENCY; GLA DEFICIENCY; HEREDITARY DYSTOPIC LIPIDOSIS; ALPHA-GALACTOSIDASE A DEFICIENCY. Identifiers: Orphanet 324, MedGen C0002986, MONDO:0010526, OMIM 301500, HP:0001071. Disease mechanism: Fabry disease is due to inactivating mutations in the X-linked GLA gene resulting in deficiency of the enzyme Alpha Galactosidase-A., loss of function.

Submissions (4):

Genomenon, Inc
Classification: Uncertain significance for Fabry disease. Last evaluated: 2026-09-08. Review status: criteria provided, single submitter. Criteria: Genomenon Sequence Variant Interpretation Standards - Updated. Collection method: curation. Allele origin: germline. Affected: no.
Comment: GLA p.Pro146Ser (c.436C>T) is a missense variant that changes the amino acid at codon 146 from Proline to Serine. This variant has been reported in the published literature (PMID:31956509;8012363;15924232;22004918;27916943;7911050;32995357;17206462;17555407;31036492;27657681). It is absent or not present at a significant frequency in gnomAD. In silico models predict that this variant is possibly or probably damaging. In conclusion, we classify GLA p.Pro146Ser (c.436C>T) as a variant of uncertain significance.

Women's Health and Genetics/Laboratory Corporation of America, LabCorp
Classification: Uncertain significance. Last evaluated: 2026-03-04. Review status: criteria provided, single submitter. Criteria: LabCorp Variant Classification Summary - May 2015. Collection method: clinical testing. Allele origin: germline.
Comment: Variant summary: GLA c.436C>T (p.Pro146Ser) results in a non-conservative amino acid change in the encoded protein sequence. Algorithms developed to predict the effect of missense changes on protein structure and function all suggest that this variant is likely to be disruptive. The variant was absent in 183474 control chromosomes. c.436C>T has been observed in individuals affected with Fabry Disease (Ploos van Amstel_1994, Vedder_2007, Sawada_2020, internal data). These data indicate that the variant may be associated with disease. To our knowledge, no experimental evidence demonstrating an impact on protein function has been reported. The following publications have been ascertained in the context of this evaluation (PMID: 8012363, 31956509, 17206462). ClinVar contains an entry for this variant (Variation ID: 10726). Based on the evidence outlined above, the variant was classified as VUS-possibly pathogenic.

Labcorp Genetics (formerly Invitae), Labcorp
Classification: Uncertain significance for Fabry disease. Last evaluated: 2023-04-05. Review status: criteria provided, single submitter. Criteria: Invitae Variant Classification Sherloc (09022015). Collection method: clinical testing. Allele origin: germline.
Comment: Experimental studies have shown that this missense change affects GLA function (PMID: 17555407). This sequence change replaces proline, which is neutral and non-polar, with serine, which is neutral and polar, at codon 146 of the GLA protein (p.Pro146Ser). This variant is not present in population databases (gnomAD no frequency). This missense change has been observed in individual(s) with clinical features of Fabry disease (PMID: 8012363, 17206462, 31956509; Invitae). ClinVar contains an entry for this variant (Variation ID: 10726). Advanced modeling of protein sequence and biophysical properties (such as structural, functional, and spatial information, amino acid conservation, physicochemical variation, residue mobility, and thermodynamic stability) performed at Invitae indicates that this missense variant is expected to disrupt GLA protein function. In summary, the available evidence is currently insufficient to determine the role of this variant in disease. Therefore, it has been classified as a Variant of Uncertain Significance.

OMIM
Classification: Pathogenic for FABRY DISEASE. Last evaluated: 2017-06-16. Review status: no assertion criteria provided. Collection method: literature only. Allele origin: germline. Not counted in ClinVar's aggregate classification.

Literature cited by the submitters: PubMed 31956509 (cited by 3 submitters); PubMed 8012363 (cited by 3 submitters); PubMed 15924232 (cited by Genomenon, Inc); PubMed 22004918 (cited by Genomenon, Inc); PubMed 27916943 (cited by Genomenon, Inc); PubMed 7911050 (cited by Genomenon, Inc); PubMed 32995357 (cited by Genomenon, Inc); PubMed 17206462 (cited by 3 submitters); PubMed 17555407 (cited by Genomenon, Inc and Labcorp Genetics (formerly Invitae), Labcorp); PubMed 31036492 (cited by Genomenon, Inc); PubMed 27657681 (cited by Genomenon, Inc); deJong, J. G. N., Jansen, P. P. M., van den Berg, C. J. M. G., Hamel, B. C. J., Wevers, R. A., Ploos van Amstel, J. K. Genetic heterogeneity in Fabry's disease: mutations in the alpha-galactosidase A gene. Proceedings of the 2nd International Duodecim Symposium. Molecular Biology of Lysosomal Disease, Majik, Finland 1993. (cited by OMIM).